The following is an entry in ClinVar:

NM_004360.5(CDH1):c.26C>A (p.Ser9Ter)

Gene: CDH1 (cadherin 1; plus strand). Cytogenetic location: 16q22.1.
Variant type: single nucleotide variant.
Coding change: c.26C>A on transcript NM_004360.5 (MANE Select); coding-DNA position 26, C replaced by A.
Protein change: p.Ser9Ter; replaces serine 9 with a stop codon.
Molecular consequence: nonsense. On other transcripts: 5 prime UTR variant (2).
Genome position (GRCh38, 1-based): chr16:68,737,441, C>A. VCF-style: chr16-68737441-C-A. GRCh37 (hg19) VCF-style: chr16-68771344-C-A.
Other names: NM_004360.5(CDH1):c.26C>A; p.Ser9Ter; c.26C>A (LRG_301t1); c.-1590C>A (NM_001317185.2); c.-1794C>A (NM_001317186.2); c.26C>A, p.Ser9Ter (NM_001317184.2); short protein forms S9*.
Identifiers: ClinVar variation 651982 (VCV000651982.18), dbSNP rs1555509646, ClinGen allele CA396451339.

ClinVar aggregate classification (germline): Pathogenic. Review status: reviewed by expert panel (3 of 4 stars). 6 submissions from 6 submitters: Pathogenic (1). 5 of the submissions do not count toward it. Last evaluated 2023-08-25.

Conditions:
CDH1-related diffuse gastric and lobular breast cancer syndrome. Also called: CDH1-related diffuse gastric and lobular breast cancer. Identifiers: MedGen CN311521, MONDO:0100488.
Hereditary cancer-predisposing syndrome. Also called: Hereditary Cancer Syndrome; Tumor predisposition; Neoplastic Syndromes, Hereditary; Hereditary neoplastic syndrome. Identifiers: Orphanet 140162, MedGen C0027672, MeSH D009386, MONDO:0015356.
Hereditary diffuse gastric adenocarcinoma (HDGC). Also called: DIFFUSE GASTRIC AND LOBULAR BREAST CANCER SYNDROME. Identifiers: Orphanet 26106, MedGen C1708349, MONDO:0007648, OMIM 137215.
Familial cancer of breast. Also called: hereditary breast carcinoma; BREAST CANCER, FAMILIAL; Hereditary breast cancer. Identifiers: Orphanet 227535, MedGen C0346153, MONDO:0016419, OMIM 114480. Disease mechanism: loss of function.

Submissions (6):

Clingen Gastric Cancer Variant Curation Expert Panel
Classification: Pathogenic for CDH1-related diffuse gastric and lobular breast cancer syndrome. Last evaluated: 2023-08-25. Review status: reviewed by expert panel. Criteria: ClinGen CDH1 ACMG Specifications V3.1. Collection method: curation. Allele origin: germline. Inheritance: Autosomal dominant inheritance.
Comment: The c.26C>A (p.Ser9Ter) variant is predicted to result in a premature stop codon in exon 1 that leads to a truncated or absent protein (PVS1, PM5_Supporting). This variant is absent in the gnomAD cohort (PM2_supporting). Two families meet HDGC phenotypic criteria (PS4_moderate; SCV000947495.1 and internal contributor). In summary, this variant meets criteria to be classified as pathogenic based on the ACMG/AMP criteria applied as specified by the CDH1 Variant Curation Expert Panel (Variant Interpretation Guidelines Version 3.1): PVS1, PM2_supporting, PS4_moderate, PM5_Supporting.

Myriad Genetics, Inc.
Classification: Pathogenic for Hereditary diffuse gastric adenocarcinoma. Last evaluated: 2023-06-08. Review status: criteria provided, single submitter. Criteria: Myriad Autosomal Dominant, Autosomal Recessive and X-Linked Classification Criteria (2023). Collection method: clinical testing. Allele origin: unknown. Not counted in ClinVar's aggregate classification.
Comment: This variant is considered pathogenic. This variant creates a termination codon and is predicted to result in premature protein truncation.

Labcorp Genetics (formerly Invitae), Labcorp
Classification: Pathogenic for Hereditary diffuse gastric adenocarcinoma. Last evaluated: 2022-02-28. Review status: criteria provided, single submitter. Criteria: Invitae Variant Classification Sherloc (09022015). Collection method: clinical testing. Allele origin: germline. Not counted in ClinVar's aggregate classification.
Comment: For these reasons, this variant has been classified as Pathogenic. ClinVar contains an entry for this variant (Variation ID: 651982). This variant has not been reported in the literature in individuals affected with CDH1-related conditions. This variant is not present in population databases (gnomAD no frequency). This sequence change creates a premature translational stop signal (p.Ser9*) in the CDH1 gene. It is expected to result in an absent or disrupted protein product. Loss-of-function variants in CDH1 are known to be pathogenic (PMID: 15235021, 20373070).

Color Diagnostics, LLC DBA Color Health
Classification: Pathogenic for Hereditary cancer-predisposing syndrome. Last evaluated: 2021-06-14. Review status: criteria provided, single submitter. Criteria: ACMG Guidelines, 2015. Collection method: clinical testing. Allele origin: germline. Not counted in ClinVar's aggregate classification.
Comment: This variant changes 1 nucleotide in exon 1 of the CDH1 gene, creating a premature translation stop signal. This variant is expected to result in an absent or non-functional protein product. To our knowledge, this variant has not been reported in individuals affected with hereditary cancer in the literature. This variant has not been identified in the general population by the Genome Aggregation Database (gnomAD). Loss of CDH1 function is a known mechanism of disease. Based on the available evidence, this variant is classified as Pathogenic.

Baylor Genetics
Classification: Likely pathogenic for Familial cancer of breast. Last evaluated: 2021-05-11. Review status: criteria provided, single submitter. Criteria: ACMG Guidelines, 2015. Collection method: clinical testing. Allele origin: unknown. Not counted in ClinVar's aggregate classification.

Quest Diagnostics Nichols Institute San Juan Capistrano
Classification: Pathogenic. Last evaluated: 2019-10-25. Review status: criteria provided, single submitter. Criteria: Quest Diagnostics criteria. Collection method: clinical testing. Allele origin: unknown. Not counted in ClinVar's aggregate classification.
Comment: The variant creates a premature nonsense codon, and is therefore predicted to result in the loss of a functional protein. Found in at least one patient with expected phenotype for this gene, and not found in general population data.

Literature cited by the submitters: PubMed 15235021 (cited by Labcorp Genetics (formerly Invitae), Labcorp); PubMed 20373070 (cited by Labcorp Genetics (formerly Invitae), Labcorp); PubMed 30716324 (cited by Quest Diagnostics Nichols Institute San Juan Capistrano).